The following is an entry in ClinVar:

NM_032317.3(DNAJC30):c.*122C>T

Gene: DNAJC30 (DnaJ heat shock protein family (Hsp40) member C30; minus strand). Cytogenetic location: 7q11.23.
Variant type: single nucleotide variant.
Coding change: c.*122C>T on transcript NM_032317.3 (MANE Select); 122 bases downstream of the stop codon, C replaced by T.
Molecular consequence: 3 prime UTR variant.
Genome position (GRCh38, 1-based): chr7:73,682,621, G>A on the plus strand (C>T on the coding strand, the complement: DNAJC30 is on the minus strand). VCF-style: chr7-73682621-G-A. GRCh37 (hg19) VCF-style: chr7-73096951-G-A.
Identifiers: ClinVar variation 3901958 (VCV003901958.1).

ClinVar aggregate classification (germline): Uncertain significance (1 of 4 stars; one submission).

Conditions:
Leber-like hereditary optic neuropathy, autosomal recessive 1 (LHONAR1). Also called: MITOCHONDRIAL COMPLEX I DEFICIENCY, NUCLEAR TYPE 38. Identifiers: MedGen CN376811, MONDO:0958183, OMIM 619382.

Submission:

Laboratorio de Genetica e Diagnostico Molecular, Hospital Israelita Albert Einstein
Classification: Uncertain significance for Leber-like hereditary optic neuropathy, autosomal recessive 1. Last evaluated: 2024-11-11. Review status: criteria provided, single submitter. Criteria: ACMG Guidelines, 2015. Collection method: clinical testing. Allele origin: germline. Affected: yes.
Comment: ACMG classification criteria: PM2 supporting